The following is an entry in ClinVar:

ClinVar aggregate classification (germline): Pathogenic. Review status: reviewed by expert panel (3 of 4 stars). 4 submissions from 4 submitters: Pathogenic (1). 3 of the submissions do not count toward it. Last evaluated 2016-09-08.

Conditions:
Malignant tumor of breast. Also called: Malignant breast neoplasm; Cancer breast. Identifiers: MedGen C0006142, MONDO:0007254. Disease mechanism: loss of function.
Hereditary cancer-predisposing syndrome. Also called: Hereditary Cancer Syndrome; Hereditary neoplastic syndrome; Tumor predisposition; Neoplastic Syndromes, Hereditary. Identifiers: Orphanet 140162, MedGen C0027672, MeSH D009386, MONDO:0015356.
Breast-ovarian cancer, familial, susceptibility to, 1 (BROVCA1). Also called: OVARIAN CANCER, SUSCEPTIBILITY TO; BRCA1 Hereditary Breast and Ovarian Cancer. Identifiers: Orphanet 145, MedGen C2676676, MONDO:0011450, OMIM 604370. Disease mechanism: loss of function.

Submissions (4):

Evidence-based Network for the Interpretation of Germline Mutant Alleles (ENIGMA)
Classification: Pathogenic for Breast-ovarian cancer, familial, susceptibility to, 1. Last evaluated: 2016-09-08. Review status: reviewed by expert panel. Criteria: ENIGMA BRCA1/2 Classification Criteria (2015). Collection method: curation. Allele origin: germline.
Comment: Variant allele predicted to encode a truncated non-functional protein.

Consortium of Investigators of Modifiers of BRCA1/2 (CIMBA), c/o University of Cambridge
Classification: Pathogenic for Breast-ovarian cancer, familial, susceptibility to, 1. Last evaluated: 2015-10-02. Review status: criteria provided, single submitter. Criteria: CIMBA Mutation Classification guidelines May 2016. Collection method: clinical testing. Allele origin: germline. Not counted in ClinVar's aggregate classification.

Ambry Genetics
Classification: Pathogenic for Hereditary cancer-predisposing syndrome. Last evaluated: 2014-12-26. Review status: criteria provided, single submitter. Criteria: Ambry Variant Classification Scheme 2023. Collection method: clinical testing. Allele origin: germline. Not counted in ClinVar's aggregate classification.
Comment: The p.L1209* pathogenic mutation (also known as c.3626T>G and 3745T>G), located in coding exon 9 of the BRCA1 gene, results from a T to G substitution at nucleotide position 3626. This changes the amino acid from a leucine to a stop codon within coding exon 9. Since premature stop codons are typically deleterious in nature, this alteration is interpreted as a disease-causing mutation (ACMG Recommendations for Standards for Interpretation and Reporting of Sequence Variations. Revision 2007. Genet Med. 2008;10:294).

Department of Pathology and Laboratory Medicine, Sinai Health System
Classification: Pathogenic for Malignant tumor of breast. Review status: no assertion criteria provided. Collection method: clinical testing. Allele origin: unknown. Affected: yes. Observed: 1 variant allele. Study: The Canadian Open Genetics Repository (COGR). Not counted in ClinVar's aggregate classification.
Comment: The BRCA1 p.Leu1209X variant was not identified in the literature, nor was it identified in the dbSNP, NHLBI Exome Sequencing Project (Exome Variant Server), Exome Aggregation Consortium (ExAC), COSMIC, GeneInsight COGR, BIC or ARUP databases. The variant was identified in Clinvar database classified as Pathogenic by Ambry Genetics and in BRCA Share (UMD) 4x as causal. The variant was also identified in Fanconi Anemia Mutation Database (LOVD) 3x.The p.Leu1209X variant leads to a premature stop codon at position 1209, which is predicted to lead to a truncated or absent protein and loss of function. Loss of function variants of the BRCA1 gene are an established mechanism of disease in hereditary breast and ovarian cancer and is the type of variant expected to cause the disorder. In summary, based on the above information, this variant meets our laboratoryâ€šÃ„Ã´s criteria to be classified as pathogenic.

NM_007294.4(BRCA1):c.3626T>G (p.Leu1209Ter)

Genes: BRCA1 (BRCA1 DNA repair associated; minus strand), LOC126862571 (BRD4-independent group 4 enhancer GRCh37_chr17:41243136-41244335; plus strand). Cytogenetic location: 17q21.31.
Variant type: single nucleotide variant.
Coding change: c.3626T>G on transcript NM_007294.4 (MANE Select); coding-DNA position 3626, T replaced by G.
Protein change: p.Leu1209Ter; replaces leucine 1209 with a stop codon.
Molecular consequence: nonsense. On other transcripts: intron variant (135).
Genome position (GRCh38, 1-based): chr17:43,091,905, A>C on the plus strand (T>G on the coding strand, the complement: BRCA1 is on the minus strand). VCF-style: chr17-43091905-A-C. GRCh37 (hg19) VCF-style: chr17-41243922-A-C.
Other names: c.3626T>G, p.Leu1209Ter (NM_001407583.1, NM_001407585.1, NM_001407593.1 and 30 more transcripts); c.3623T>G, p.Leu1208Ter (NM_001407587.1, NM_001407590.1, NM_001407591.1 and 22 more transcripts); c.3617T>G, p.Leu1206Ter (NM_001407646.1, NM_001407647.1); c.3503T>G, p.Leu1168Ter (NM_001407648.1, NM_001407664.1, NM_001407665.1 and 19 more transcripts); c.3500T>G, p.Leu1167Ter (NM_001407649.1, NM_001407670.1, NM_001407671.1 and 11 more transcripts); c.3548T>G, p.Leu1183Ter (NM_001407653.1, NM_001407654.1, NM_001407655.1 and 4 more transcripts); c.3545T>G, p.Leu1182Ter (NM_001407659.1, NM_001407660.1, NM_001407661.1 and 1 more transcripts); c.3485T>G, p.Leu1162Ter (NM_001407692.1, NM_001407694.1, NM_001407695.1 and 29 more transcripts); and 41 more; short protein forms L1209*, L1162*, L1206*, L1041*, L1098*, L1120*, L1141*, L1182*.
Identifiers: ClinVar variation 187637 (VCV000187637.10), dbSNP rs786203884, ClinGen allele CA002321.